The following is an entry in ClinVar:

NM_130837.3(OPA1):c.193C>G (p.Leu65Val)

Gene: OPA1 (OPA1 mitochondrial dynamin like GTPase; plus strand). Cytogenetic location: 3q29.
Variant type: single nucleotide variant.
Coding change: c.193C>G on transcript NM_130837.3 (MANE Select); coding-DNA position 193, C replaced by G.
Protein change: p.Leu65Val; replaces leucine 65 with valine.
Molecular consequence: missense variant. On other transcripts: 5 prime UTR variant (2).
Genome position (GRCh38, 1-based): chr3:193,614,883, C>G. VCF-style: chr3-193614883-C-G. GRCh37 (hg19) VCF-style: chr3-193332672-C-G.
Other names: c.-180C>G (NM_001354663.2, NM_001354664.2); c.193C>G, p.Leu65Val (NM_015560.3, NM_130831.3, NM_130832.3 and 4 more transcripts); short protein forms L65V.
Identifiers: ClinVar variation 1710785 (VCV001710785.2), dbSNP rs2474576384, ClinGen allele CA355786700.

ClinVar aggregate classification (germline): Uncertain significance (1 of 4 stars; one submission).

Submission:

GeneDx
Classification: Uncertain significance. Last evaluated: 2022-04-11. Review status: criteria provided, single submitter. Criteria: GeneDx Variant Classification Process June 2021. Collection method: clinical testing. Allele origin: germline. Affected: yes.
Comment: Identified heterozygous in an individual with optic atrophy; the proband's affected father was not tested (Wang et al., 2019); Not observed at significant frequency in large population cohorts (gnomAD); In silico analysis supports that this missense variant does not alter protein structure/function; This variant is associated with the following publications: (PMID: 32025183)